The following is an entry in ClinVar:

ClinVar aggregate classification (germline): Uncertain significance. Review status: criteria provided, multiple submitters, no conflicts (2 of 4 stars). 2 submissions from 2 submitters: Uncertain significance (2). Last evaluated 2023-11-13.

Conditions:
SOS2-related disorder. Also called: SOS2-related condition.
Noonan syndrome 9 (NS9). Identifiers: Orphanet 648, MedGen C4225282, MONDO:0014691, OMIM 616559.

Submissions (2):

Labcorp Genetics (formerly Invitae), Labcorp
Classification: Uncertain significance for Noonan syndrome 9. Last evaluated: 2023-11-13. Review status: criteria provided, single submitter. Criteria: Invitae Variant Classification Sherloc (09022015). Collection method: clinical testing. Allele origin: germline.
Comment: This sequence change replaces methionine, which is neutral and non-polar, with valine, which is neutral and non-polar, at codon 175 of the SOS2 protein (p.Met175Val). This variant is not present in population databases (gnomAD no frequency). This variant has not been reported in the literature in individuals affected with SOS2-related conditions. Advanced modeling of protein sequence and biophysical properties (such as structural, functional, and spatial information, amino acid conservation, physicochemical variation, residue mobility, and thermodynamic stability) performed at Invitae indicates that this missense variant is expected to disrupt SOS2 protein function with a positive predictive value of 95%. In summary, the available evidence is currently insufficient to determine the role of this variant in disease. Therefore, it has been classified as a Variant of Uncertain Significance.

PreventionGenetics, part of Exact Sciences
Classification: Uncertain significance for SOS2-related condition. Last evaluated: 2022-09-26. Review status: criteria provided, single submitter. Criteria: ACMG Guidelines, 2015. Collection method: clinical testing. Allele origin: germline.
Comment: The SOS2 c.523A>G variant is predicted to result in the amino acid substitution p.Met175Val. To our knowledge, this variant has not been reported in the literature or in a large population database, indicating this variant is rare. At this time, the clinical significance of this variant is uncertain due to the absence of conclusive functional and genetic evidence.

NM_006939.4(SOS2):c.523A>G (p.Met175Val)

Gene: SOS2 (SOS Ras/Rho guanine nucleotide exchange factor 2; minus strand). Cytogenetic location: 14q21.3.
Variant type: single nucleotide variant.
Coding change: c.523A>G on transcript NM_006939.4 (MANE Select); coding-DNA position 523, A replaced by G.
Protein change: p.Met175Val; replaces methionine 175 with valine.
Molecular consequence: missense variant.
Genome position (GRCh38, 1-based): chr14:50,188,688, T>C on the plus strand (A>G on the coding strand, the complement: SOS2 is on the minus strand). VCF-style: chr14-50188688-T-C. GRCh37 (hg19) VCF-style: chr14-50655406-T-C.
Other names: c.523A>G, p.Met175Val (NM_001411020.1); short protein forms M175V.
Identifiers: ClinVar variation 2637358 (VCV002637358.4), dbSNP rs1336823806, ClinGen allele CA389648348.